The following is an entry in ClinVar:

NM_175914.5(HNF4A):c.*2779A>C

Gene: HNF4A (hepatocyte nuclear factor 4 alpha; plus strand). Cytogenetic location: 20q13.12.
Variant type: single nucleotide variant.
Coding change: c.*2779A>C on transcript NM_175914.5 (MANE Select); 2779 bases downstream of the stop codon, A replaced by C.
Molecular consequence: 3 prime UTR variant.
Genome position (GRCh38, 1-based): chr20:44,432,444, A>C. VCF-style: chr20-44432444-A-C. GRCh37 (hg19) VCF-style: chr20-43061084-A-C.
Other names: c.*2779A>C (NM_000457.6, NM_001030003.3, NM_001258355.2 and 3 more transcripts).
Identifiers: ClinVar variation 338487 (VCV000338487.6), dbSNP rs755438203, ClinGen allele CA10653137.

ClinVar aggregate classification (germline): Conflicting classifications of pathogenicity. Review status: criteria provided, conflicting classifications (1 of 4 stars). 3 submissions from 2 submitters: Uncertain significance (2); Benign (1). Last evaluated 2018-01-13.

Conditions:
Familial hyperinsulinism. Also called: Congenital hyperinsulinism. Identifiers: Orphanet 276525, MedGen C3888018, MONDO:0017182. Disease mechanism: loss of function.
Maturity-onset diabetes of the young type 1. Also called: MILD JUVENILE DIABETES MELLITUS; MODY, type I; MODY type 1; Diabetes mellitus MODY type 1; MODY HNF4A related; HNF4A-Related Maturity-Onset Diabetes of the Young Type 1. Identifiers: Orphanet 552, MedGen C1852093, MONDO:0007452, OMIM 125850. Disease mechanism: loss of function.
Maturity-onset diabetes of the young (MODY). Also called: Maturity onset diabetes mellitus in young. Identifiers: Orphanet 552, MedGen C0342276, MONDO:0018911, HP:0004904.

Allele frequency attached by ClinVar (database versions not stated): gnomAD 0.00003.
gnomAD v4.1: 4 of 139,240 alleles (0.0029%); highest among the groups gnomAD compares: Non-Finnish European, 0.006%; no homozygotes.

Submissions (3):

Illumina Laboratory Services, Illumina
Classification: Uncertain significance for Familial hyperinsulinism. Last evaluated: 2018-01-13. Review status: criteria provided, single submitter. Criteria: ICSL Variant Classification Criteria 13 December 2019. Collection method: clinical testing. Allele origin: germline.

Illumina Laboratory Services, Illumina
Classification: Uncertain significance for Maturity-onset diabetes of the young type 1. Last evaluated: 2018-01-13. Review status: criteria provided, single submitter. Criteria: ICSL Variant Classification Criteria 13 December 2019. Collection method: clinical testing. Allele origin: germline.

Clinical Genomics, Uppaluri K&H Personalized Medicine Clinic
Classification: Benign for Maturity-onset diabetes of the young. Review status: criteria provided, single submitter. Criteria: K & H Uppaluri Personalized Medicine Clinic Variant Classification & Assertion Criteria_Updated V.1. Collection method: research. Allele origin: unknown. Inheritance: Autosomal dominant inheritance.
Comment: Potent mutations in HNF4A are associated with poor insulin secretion in response to hyperglycemia. Associated with MODY1. Patients initially respond well to sulfonylureas but eventually become insulin dependent. However, more evidence is required to ascertain the role of this particular variant rs755438203 in MODY, yet.

Literature cited by the submitters: DOI 10.1159/000334532 (cited by Clinical Genomics, Uppaluri K&H Personalized Medicine Clinic); PubMed 18268044 (cited by Clinical Genomics, Uppaluri K&H Personalized Medicine Clinic); PubMed 17563455 (cited by Clinical Genomics, Uppaluri K&H Personalized Medicine Clinic); PubMed 32583173 (cited by Clinical Genomics, Uppaluri K&H Personalized Medicine Clinic); PubMed 35052457 (cited by Clinical Genomics, Uppaluri K&H Personalized Medicine Clinic); PubMed 35118593 (cited by Clinical Genomics, Uppaluri K&H Personalized Medicine Clinic).